The following is an entry in ClinVar:

ClinVar aggregate classification (germline): Uncertain significance (1 of 4 stars; one submission).

Conditions:
Neuropathy, hereditary sensory and autonomic, type 2A (HSAN2A). Also called: ACROOSTEOLYSIS, GIACCAI TYPE; ACROOSTEOLYSIS, NEUROGENIC; WNK1-Related HSAN2 (HSAN2A); NEUROPATHY, HEREDITARY SENSORY RADICULAR, AUTOSOMAL RECESSIVE; MORVAN DISEASE; NEUROPATHY, CONGENITAL SENSORY. Identifiers: Orphanet 970, MedGen C2752089, MONDO:0024309, OMIM 201300.
Generalized epilepsy with febrile seizures plus, type 7 (GEFSP7). Also called: GEFS+, TYPE 7. Identifiers: Orphanet 36387, MedGen C2751778, MONDO:0013470, OMIM 613863.

Submission:

Labcorp Genetics (formerly Invitae), Labcorp
Classification: Uncertain significance for Neuropathy, hereditary sensory and autonomic, type 2A; Generalized epilepsy with febrile seizures plus, type 7. Last evaluated: 2025-03-26. Review status: criteria provided, single submitter. Criteria: Invitae Variant Classification Sherloc (09022015). Collection method: clinical testing. Allele origin: germline.
Comment: This sequence change replaces serine, which is neutral and polar, with arginine, which is basic and polar, at codon 1731 of the SCN9A protein (p.Ser1731Arg). This variant is not present in population databases (gnomAD no frequency). This variant has not been reported in the literature in individuals affected with SCN9A-related conditions. Invitae Evidence Modeling of protein sequence and biophysical properties (such as structural, functional, and spatial information, amino acid conservation, physicochemical variation, residue mobility, and thermodynamic stability) has been performed for this missense variant. However, the output from this modeling did not meet the statistical confidence thresholds required to predict the impact of this variant on SCN9A protein function. In summary, the available evidence is currently insufficient to determine the role of this variant in disease. Therefore, it has been classified as a Variant of Uncertain Significance.

NM_001365536.1(SCN9A):c.5224A>C (p.Ser1742Arg)

Genes: SCN1A-AS1 (SCN1A and SCN9A antisense RNA 1; plus strand), SCN9A (sodium voltage-gated channel alpha subunit 9; minus strand). Cytogenetic location: 2q24.3.
Variant type: single nucleotide variant.
Coding change: c.5224A>C on transcript NM_001365536.1 (MANE Select); coding-DNA position 5224, A replaced by C.
Protein change: p.Ser1742Arg; replaces serine 1742 with arginine.
Molecular consequence: missense variant.
Genome position (GRCh38, 1-based): chr2:166,199,415, T>G on the plus strand (A>C on the coding strand, the complement: SCN9A is on the minus strand). VCF-style: chr2-166199415-T-G. GRCh37 (hg19) VCF-style: chr2-167055925-T-G.
Other names: c.5191A>C, p.Ser1731Arg (NM_002977.4); short protein forms S1742R, S1731R.
Identifiers: ClinVar variation 4783377 (VCV004783377.1).